The following is an entry in ClinVar:

ClinVar aggregate classification (germline): Uncertain significance (1 of 4 stars; one submission).

Conditions:
Hereditary cancer-predisposing syndrome. Also called: Tumor predisposition; Hereditary neoplastic syndrome; Hereditary Cancer Syndrome; Neoplastic Syndromes, Hereditary. Identifiers: Orphanet 140162, MedGen C0027672, MeSH D009386, MONDO:0015356.

Submission:

Ambry Genetics
Classification: Uncertain significance for Hereditary cancer-predisposing syndrome. Last evaluated: 2024-02-26. Review status: criteria provided, single submitter. Criteria: Ambry Variant Classification Scheme 2023. Collection method: clinical testing. Allele origin: germline.
Comment: The p.S204C variant (also known as c.610A>T), located in coding exon 3 of the XRCC2 gene, results from an A to T substitution at nucleotide position 610. The serine at codon 204 is replaced by cysteine, an amino acid with dissimilar properties. This amino acid position is conserved. In addition, this alteration is predicted to be tolerated by in silico analysis. Based on the available evidence, the clinical significance of this alteration remains unclear.

NM_005431.2(XRCC2):c.610A>T (p.Ser204Cys)

Gene: XRCC2 (X-ray repair cross complementing 2; minus strand). Cytogenetic location: 7q36.1.
Variant type: single nucleotide variant.
Coding change: c.610A>T on transcript NM_005431.2 (MANE Select); coding-DNA position 610, A replaced by T.
Protein change: p.Ser204Cys; replaces serine 204 with cysteine.
Molecular consequence: missense variant.
Genome position (GRCh38, 1-based): chr7:152,648,875, T>A on the plus strand (A>T on the coding strand, the complement: XRCC2 is on the minus strand). VCF-style: chr7-152648875-T-A. GRCh37 (hg19) VCF-style: chr7-152345960-T-A.
Other names: short protein forms S204C.
Identifiers: ClinVar variation 3224687 (VCV003224687.1), dbSNP rs2116987395, ClinGen allele CA370198323.
Genomic context (GRCh38, chr7:152,648,875, plus strand): 5'-TGTAGTCTATGTCCACATCACACAGTCGTCGAGAGGCATGAGAAGGTTCTTCTGATGAGC[T>A]CGAGGCTTTCTGCATTATAGTTTGTGTCGTTGCAAAAAGAACCAGGCGATAGTCATTTAC-3'
Protein context (NP_005422.1, residues 194-214): TTQTIMQKAS[Ser204Cys]SSEEPSHASR